The following is an entry in ClinVar:

ClinVar aggregate classification (germline): Likely benign. Review status: criteria provided, multiple submitters, no conflicts (2 of 4 stars). 2 submissions from 2 submitters: Likely benign (2). Last evaluated 2026-06-24.

Conditions:
INF2-related disorder. Also called: INF2-related condition.

gnomAD v4.1: 16 of 1,607,988 alleles (0.001%); highest among the groups gnomAD compares: South Asian, 0.0067%; no homozygotes.

Submissions (2):

PreventionGenetics, part of Exact Sciences
Classification: Likely benign for INF2-related condition. Last evaluated: 2026-06-24. Review status: criteria provided, single submitter. Criteria: ACMG Guidelines, 2015. Collection method: clinical testing. Allele origin: germline.
Comment: This variant is classified as likely benign based on ACMG/AMP sequence variant interpretation guidelines (Richards et al. 2015 PMID: 25741868, with internal and published modifications).

Women's Health and Genetics/Laboratory Corporation of America, LabCorp
Classification: Likely benign. Last evaluated: 2025-10-27. Review status: criteria provided, single submitter. Criteria: LabCorp Variant Classification Summary - May 2015. Collection method: clinical testing. Allele origin: germline.
Comment: Variant summary: INF2 c.798C>T alters a conserved nucleotide resulting in a synonymous change. Consensus agreement among computation tools predict no significant impact on normal splicing. However, these predictions have yet to be confirmed by functional studies. The variant allele was found at a frequency of 1.7e-05 in 236512 control chromosomes. The available data on variant occurrences in the general population are insufficient to allow any conclusion about variant significance. To our knowledge, no occurrence of c.798C>T in individuals affected with INF2-related conditions and no experimental evidence demonstrating its impact on protein function have been reported. No submitters have cited clinical-significance assessments for this variant to ClinVar. Based on the evidence outlined above, the variant was classified as likely benign.

NM_022489.4(INF2):c.798C>T (p.Val266=)

Gene: INF2 (inverted formin 2; plus strand). Cytogenetic location: 14q32.33.
Variant type: single nucleotide variant.
Coding change: c.798C>T on transcript NM_022489.4 (MANE Select); coding-DNA position 798, C replaced by T.
Protein change: p.Val266=; no amino-acid change (valine 266 retained).
Molecular consequence: synonymous variant. On other transcripts: non-coding transcript variant (1).
Genome position (GRCh38, 1-based): chr14:104,706,131, C>T. VCF-style: chr14-104706131-C-T. GRCh37 (hg19) VCF-style: chr14-105172468-C-T.
Other names: c.798C>T (NM_022489.3); c.798C>T, p.Val266= (NM_001031714.4, NM_001426862.1, NM_001426863.1 and 2 more transcripts).
Identifiers: ClinVar variation 4687716 (VCV004687716.2).
Genomic context (GRCh38, chr14:104,706,131, plus strand): 5'-GGCTTTCGAGGAGGCTAAGGCCGAGGACGAGGAGGAGCTGCTGCGAGTCTCTGGCGGGGT[C>T]GACATGAGCAGCCACCAGGAGGTCTTTGCCTCCCTGTTCCACAAGGTGGGCTGGGGGCTG-3'
Protein context (NP_071934.3, residues 256-276): EEELLRVSGG[Val266=]DMSSHQEVFA